The following is an entry in ClinVar:

ClinVar aggregate classification (germline): Uncertain significance (1 of 4 stars; one submission).

gnomAD v4.1: 2 of 1,604,500 alleles (0.00012%); highest among the groups gnomAD compares: Non-Finnish European, 0.00017%; no homozygotes.

Submission:

Women's Health and Genetics/Laboratory Corporation of America, LabCorp
Classification: Uncertain significance. Last evaluated: 2024-10-30. Review status: criteria provided, single submitter. Criteria: LabCorp Variant Classification Summary - May 2015. Collection method: clinical testing. Allele origin: germline.
Comment: Variant summary: TNXB c.110C>T (p.Pro37Leu) results in a non-conservative amino acid change in the encoded protein sequence. Four of four in-silico tools predict a damaging effect of the variant on protein function. The variant was absent in 246954 control chromosomes. The available data on variant occurrences in the general population are insufficient to allow any conclusion about variant significance. To our knowledge, no occurrence of c.110C>T in individuals affected with Ehlers-Danlos syndrome due to tenascin-X deficiency and no experimental evidence demonstrating its impact on protein function have been reported. No submitters have cited clinical-significance assessments for this variant to ClinVar. Based on the evidence outlined above, the variant was classified as uncertain significance.

NM_001365276.2(TNXB):c.110C>T (p.Pro37Leu)

Gene: TNXB (tenascin XB; minus strand). Cytogenetic location: 6p21.33.
Variant type: single nucleotide variant.
Coding change: c.110C>T on transcript NM_001365276.2 (MANE Select); coding-DNA position 110, C replaced by T.
Protein change: p.Pro37Leu; replaces proline 37 with leucine.
Molecular consequence: missense variant.
Genome position (GRCh38, 1-based): chr6:32,098,089, G>A on the plus strand (C>T on the coding strand, the complement: TNXB is on the minus strand). VCF-style: chr6-32098089-G-A. GRCh37 (hg19) VCF-style: chr6-32065866-G-A.
Other names: c.110C>T, p.Pro37Leu (NM_001428335.1, NM_019105.8); short protein forms P37L.
Identifiers: ClinVar variation 3385224 (VCV003385224.1).